The following is an entry in ClinVar:

NM_000256.3(MYBPC3):c.3624delC

Gene: MYBPC3 (myosin binding protein C3; minus strand). Cytogenetic location: 11p11.2.
Variant type: Deletion.
Coding change: c.3624delC on transcript NM_000256.3 (MANE Select); coding-DNA position 3624, one base deleted (C).
Genome position (GRCh38, 1-based): chr11:47,332,569, G deleted on the plus strand (C on the coding strand, the reverse complement: MYBPC3 is on the minus strand); the first of 4 consecutive G bases (chr11:47,332,569-47,332,572); deleting any one gives the same sequence. VCF-style (leftmost placement, unchanged base first): chr11-47332568-TG-T. GRCh37 (hg19) VCF-style: chr11-47354119-TG-T.
Other names: c.3624del, p.Lys1209fs (LRG_386t1).
Identifiers: ClinVar variation 42727 (VCV000042727.39), dbSNP rs397516029, ClinGen allele CA014493.

ClinVar aggregate classification (germline): Pathogenic. Review status: criteria provided, multiple submitters, no conflicts (2 of 4 stars). 11 submissions from 11 submitters: Pathogenic (10). 1 of the submissions does not count toward it. Last evaluated 2025-10-13.

Conditions:
MYBPC3-related disorder. Also called: MYBPC3-related disorders; MYBPC3-related condition; MYBPC3-related disease.
Cardiomyopathy (CMYO). Also called: Cardiomyopathies. Identifiers: Orphanet 167848, MedGen C0878544, MONDO:0004994, HP:0001638. Inheritance: Various modes of inheritance.
Hypertrophic cardiomyopathy 4. Also called: Familial hypertrophic cardiomyopathy 4. Identifiers: MedGen C1861862, MONDO:0007268, OMIM 115197.
Primary familial hypertrophic cardiomyopathy (HCM). Identifiers: Orphanet 99739, MedGen C0949658, MeSH D024741, MONDO:0024573. Inheritance: Various modes of inheritance.
Hypertrophic cardiomyopathy. Also called: HYPERTROPHIC MYOCARDIOPATHY. Identifiers: Orphanet 217569, MedGen C0007194, MeSH D002312, MONDO:0005045, HP:0001639.

Submissions (11):

Labcorp Genetics (formerly Invitae), Labcorp
Classification: Pathogenic for Hypertrophic cardiomyopathy. Last evaluated: 2025-10-13. Review status: criteria provided, single submitter. Criteria: Invitae Variant Classification Sherloc (09022015). Collection method: clinical testing. Allele origin: germline.
Comment: This sequence change creates a premature translational stop signal (p.Lys1209Serfs*28) in the MYBPC3 gene. It is expected to result in an absent or disrupted protein product. Loss-of-function variants in MYBPC3 are known to be pathogenic (PMID: 19574547). This variant is present in population databases (rs397516030, gnomAD 0.005%). This premature translational stop signal has been observed in individual(s) with MYBPC3-related conditions (PMID: 20128375, 23283745, 23711808, 26090888). This variant is also known as p.Pro1208fs. ClinVar contains an entry for this variant (Variation ID: 42727). For these reasons, this variant has been classified as Pathogenic.

GeneDx
Classification: Pathogenic. Last evaluated: 2025-10-09. Review status: criteria provided, single submitter. Criteria: GeneDx Variant Classification Process June 2021. Collection method: clinical testing. Allele origin: germline. Affected: yes.
Comment: Not observed at significant frequency in large population cohorts (gnomAD); Frameshift variant predicted to result in protein truncation or nonsense mediated decay in a gene for which loss-of-function is a known mechanism of disease; This variant is associated with the following publications: (PMID: 23283745, 28498465, 28614222, 26914223, 26090888, 27532257, 28241245, 28790153, 28408708, 28615295, 27112610, 37652022, 36578016, 35717150, 33996946, 23711808, 29497013, 33673806, 23549607, 39260623, 40860236, 20128375)

Blueprint Genetics
Classification: Pathogenic for MYBPC3-related disorders. Last evaluated: 2024-04-23. Review status: criteria provided, single submitter. Criteria: ACMG Guidelines, 2015. Collection method: clinical testing. Allele origin: germline. Affected: yes. Observed: 3 variant alleles.

Color Diagnostics, LLC DBA Color Health
Classification: Pathogenic for Cardiomyopathy. Last evaluated: 2024-03-26. Review status: criteria provided, single submitter. Criteria: ACMG Guidelines, 2015. Collection method: clinical testing. Allele origin: germline.
Comment: This variant deletes 1 nucleotide in exon 32 of the MYBPC3 gene, creating a frameshift and premature translation stop signal. This variant is expected to result in an absent or non-functional protein product. This variant has been reported in over 20 individuals affected with hypertrophic cardiomyopathy (PMID: 20128375, 23283745, 23711808, 25132132, 25611685, 26090888, 26914223, 27112610, 28498465, 28615295, 28408708, 28614222, 28790153, 29497013, 30297972, 31941943, 32815737, 32841044, 33673806, 35717150, 36166435, 38489124). It has been shown that this variant segregates with disease in six affected individuals across two families (PMID: 27112610, 28614222). This variant has been identified in 2/278300 chromosomes in the general population by the Genome Aggregation Database (gnomAD). Loss of MYBPC3 function is a known mechanism of disease. Based on the available evidence, this variant is classified as Pathogenic.

CHEO Genetics Diagnostic Laboratory, Children's Hospital of Eastern Ontario
Classification: Pathogenic for Cardiomyopathy. Last evaluated: 2022-05-31. Review status: criteria provided, single submitter. Criteria: ACMG Guidelines, 2015. Collection method: clinical testing. Allele origin: germline.

Women's Health and Genetics/Laboratory Corporation of America, LabCorp
Classification: Pathogenic for Primary familial hypertrophic cardiomyopathy. Last evaluated: 2021-10-18. Review status: criteria provided, single submitter. Criteria: LabCorp Variant Classification Summary - May 2015. Collection method: clinical testing. Allele origin: germline.
Comment: Variant summary: MYBPC3 c.3624delC (p.Lys1209SerfsX28) results in a premature termination codon, predicted to cause a truncation of the encoded protein or absence of the protein due to nonsense mediated decay, which are commonly known mechanisms for disease. The variant allele was found at a frequency of 4e-06 in 246920 control chromosomes (gnomAD). c.3624delC has been reported in the literature in multiple individuals affected with Hypertrophic Cardiomyopathy (example, Liu_2015, and Murphy_2016, Ross_2017, Walsh_2017). These data indicate that the variant is very likely to be associated with disease. To our knowledge, no experimental evidence demonstrating an impact on protein function has been reported. Seven clinical diagnostic laboratories have submitted clinical-significance assessments for this variant to ClinVar after 2014 and classified the variant as pathogenic. Based on the evidence outlined above, the variant was classified as pathogenic.

Victorian Clinical Genetics Services, Murdoch Childrens Research Institute
Classification: Pathogenic for Hypertrophic cardiomyopathy 4. Last evaluated: 2020-10-19. Review status: criteria provided, single submitter. Criteria: ACMG Guidelines, 2015. Collection method: clinical testing. Allele origin: germline. Affected: yes.
Comment: Based on the classification scheme VCGS_Germline_v1.1.1, this variant is classified as Pathogenic. Following criteria are met: 0102 - Loss of function is a known mechanism of disease for this gene. (N) 0108 - This gene is known to be associated with both recessive and dominant disease. Heterozygous variants are frequently reported in adult onset conditions, however recessive inheritance results in a more severe early onset phenotype (OMIM). (N) 0201 - Variant is predicted to cause nonsense-mediated decay (NMD) and loss of protein (exon 32 of 35). (P) 0251 - Variant is heterozygous. (N) 0302 - Variant is present in gnomAD (v2) <0.001 for a dominant condition (2 heterozygotes, 0 homozygotes). (P) 0701 - Comparable variants have very strong previous evidence for pathogenicity. Many other NMD-predicted variants have previously been reported as pathogenic in patients with HCM (ClinVar). (P) 0801 - Strong previous evidence of pathogenicity in unrelated individuals. This variant has previously been reported in multiple individuals with HCM, and it considered to be a common pathogenic variant in the Chinese population (ClinVar, HGMD, PMID: 31941943). (P) 1208 - Inheritance information for this variant is not currently available. (N) Legend: (P) - Pathogenic, (N) - Neutral, (B) - Benign

Laboratory for Molecular Medicine, Mass General Brigham Personalized Medicine
Classification: Pathogenic for Hypertrophic cardiomyopathy. Last evaluated: 2020-03-23. Review status: criteria provided, single submitter. Criteria: LMM Criteria. Collection method: clinical testing. Allele origin: germline. Inheritance: Autosomal dominant inheritance. Observed: 12 variant alleles.
Comment: The p.Lys1209SerfsX28 variant in MYBPC3 (also reported as p.Pro1208fs in the literature) has been identified in at least 10 unrelated individuals with hypertrophic cardiomyopathy (HCM; including an individual who also carried a disease causing variant in another HCM associated gene) and segregated with disease in at least 2 affected relatives from 2 families (Li 2009, Zou 2013, Liu 2013, Liu 2015, LMM data). It has also been reported by other clinical laboratories in ClinVar (Variation ID 42727) and has been identified in 0.005% (1/19456) of East Asian chromosomes and 1/127178 European chromosomes by gnomAD. This variant is predicted to cause a frameshift, which alters the proteinâ€™s amino acid sequence beginning at position 1209 and leads to a premature termination codon 28 amino acids downstream. This alteration is then predicted to lead to a truncated or absent protein. Loss of function of the MYBPC3 gene is an established disease mechanism in autosomal dominant HCM. In summary, this variant meets criteria to be classified as pathogenic for autosomal dominant HCM. ACMG/AMP Criteria applied: PVS1, PS4_Strong.

Stanford Center for Inherited Cardiovascular Disease, Stanford University
Classification: Pathogenic. Last evaluated: 2016-10-11. Review status: criteria provided, single submitter. Criteria: ACMG Guidelines, 2015. Collection method: provider interpretation. Allele origin: germline.

Juno Genomics, Hangzhou Juno Genomics, Inc
Classification: Pathogenic for Hypertrophic cardiomyopathy 4. Review status: criteria provided, single submitter. Criteria: ACMG Guidelines, 2015. Collection method: clinical testing. Allele origin: germline. Affected: yes.
Comment: Null variant in a gene where loss of function (LOF) is a known mechanism of disease.;The prevalence of the variant in affected individuals is significantly increased compared to the prevalence in controls.

Agnes Ginges Centre for Molecular Cardiology, Centenary Institute
Classification: Pathogenic for Hypertrophic cardiomyopathy. Last evaluated: 2019-12-10. Review status: no assertion criteria provided. Collection method: research. Allele origin: germline. Inheritance: Autosomal dominant inheritance. Affected: yes. Not counted in ClinVar's aggregate classification.
Comment: The MYBPC Lys1209Serfs*28 has been reported previously in several HCM patients and is absent from the Genome Aggregation Database. Based on the adapted ACMG guidelines (Kelly MA, et al., 2018) this variant results in loss of function of MYBPC3 (PVS1), has been reported in more than 6 unrelated HCM probands (PS4_moderate) and is rare in the general population (PM2), therefore we classify MYBPC3 Lys1209Serfs*28 as a "pathogenic" variant.

Literature cited by the submitters: PubMed 19574547 (cited by Labcorp Genetics (formerly Invitae), Labcorp); PubMed 20128375 (cited by 4 submitters); PubMed 23283745 (cited by 4 submitters); PubMed 23711808 (cited by 3 submitters); PubMed 26090888 (cited by 5 submitters); PubMed 25132132 (cited by Color Diagnostics, LLC DBA Color Health); PubMed 25611685 (cited by Color Diagnostics, LLC DBA Color Health); PubMed 26914223 (cited by Color Diagnostics, LLC DBA Color Health and Women's Health and Genetics/Laboratory Corporation of America, LabCorp); PubMed 27112610 (cited by Color Diagnostics, LLC DBA Color Health and Agnes Ginges Centre for Molecular Cardiology, Centenary Institute); PubMed 28408708 (cited by Color Diagnostics, LLC DBA Color Health); PubMed 28498465 (cited by Color Diagnostics, LLC DBA Color Health and Agnes Ginges Centre for Molecular Cardiology, Centenary Institute); PubMed 28614222 (cited by Color Diagnostics, LLC DBA Color Health and Agnes Ginges Centre for Molecular Cardiology, Centenary Institute); PubMed 28615295 (cited by Color Diagnostics, LLC DBA Color Health and Women's Health and Genetics/Laboratory Corporation of America, LabCorp); PubMed 28790153 (cited by Color Diagnostics, LLC DBA Color Health); PubMed 29497013 (cited by Color Diagnostics, LLC DBA Color Health and Agnes Ginges Centre for Molecular Cardiology, Centenary Institute); PubMed 30297972 (cited by Color Diagnostics, LLC DBA Color Health); PubMed 31941943 (cited by Color Diagnostics, LLC DBA Color Health and Victorian Clinical Genetics Services, Murdoch Childrens Research Institute); PubMed 32815737 (cited by Color Diagnostics, LLC DBA Color Health); PubMed 32841044 (cited by Color Diagnostics, LLC DBA Color Health); PubMed 33673806 (cited by Color Diagnostics, LLC DBA Color Health); PubMed 35717150 (cited by Color Diagnostics, LLC DBA Color Health); PubMed 36166435 (cited by Color Diagnostics, LLC DBA Color Health); PubMed 38489124 (cited by Color Diagnostics, LLC DBA Color Health); PubMed 27532257 (cited by Women's Health and Genetics/Laboratory Corporation of America, LabCorp and Agnes Ginges Centre for Molecular Cardiology, Centenary Institute); PubMed 23549607 (cited by Agnes Ginges Centre for Molecular Cardiology, Centenary Institute).